The following is an entry in ClinVar:

ClinVar aggregate classification (germline): Uncertain significance. Review status: criteria provided, multiple submitters, no conflicts (2 of 4 stars). 2 submissions from 2 submitters: Uncertain significance (2). Last evaluated 2025-03-19.

Conditions:
Hereditary cancer-predisposing syndrome. Also called: Hereditary neoplastic syndrome; Neoplastic Syndromes, Hereditary; Tumor predisposition; Hereditary Cancer Syndrome. Identifiers: Orphanet 140162, MedGen C0027672, MeSH D009386, MONDO:0015356.
Ataxia-telangiectasia syndrome (AT). Also called: Ataxia telangiectasia (A-T); LOUIS-BAR SYNDROME; Cerebello-oculocutaneous telangiectasia; Immunodeficiency with ataxia telangiectasia; Ataxia-telangiectasia, complementation group D; AT, COMPLEMENTATION GROUP C. Identifiers: Orphanet 100, MedGen C0004135, MONDO:0008840, OMIM 208900.

gnomAD v4.1: 1 of 1,613,910 alleles (0.000062%); no homozygotes.

Submissions (2):

Labcorp Genetics (formerly Invitae), Labcorp
Classification: Uncertain significance for Ataxia-telangiectasia syndrome. Last evaluated: 2025-03-19. Review status: criteria provided, single submitter. Criteria: Invitae Variant Classification Sherloc (09022015). Collection method: clinical testing. Allele origin: germline.
Comment: This sequence change replaces glutamic acid, which is acidic and polar, with glutamine, which is neutral and polar, at codon 2366 of the ATM protein (p.Glu2366Gln). This variant is not present in population databases (gnomAD no frequency). This variant has not been reported in the literature in individuals affected with ATM-related conditions. ClinVar contains an entry for this variant (Variation ID: 1757118). Invitae Evidence Modeling of protein sequence and biophysical properties (such as structural, functional, and spatial information, amino acid conservation, physicochemical variation, residue mobility, and thermodynamic stability) indicates that this missense variant is not expected to disrupt ATM protein function with a negative predictive value of 95%. In summary, the available evidence is currently insufficient to determine the role of this variant in disease. Therefore, it has been classified as a Variant of Uncertain Significance.

Ambry Genetics
Classification: Uncertain significance for Hereditary cancer-predisposing syndrome. Last evaluated: 2023-08-14. Review status: criteria provided, single submitter. Criteria: Ambry Variant Classification Scheme 2023. Collection method: clinical testing. Allele origin: germline.
Comment: The p.E2366Q variant (also known as c.7096G>C), located in coding exon 48 of the ATM gene, results from a G to C substitution at nucleotide position 7096. The glutamic acid at codon 2366 is replaced by glutamine, an amino acid with highly similar properties. This amino acid position is not well conserved in available vertebrate species. In addition, this alteration is predicted to be tolerated by in silico analysis. Since supporting evidence is limited at this time, the clinical significance of this alteration remains unclear.

NM_000051.4(ATM):c.7096G>C (p.Glu2366Gln)

Genes: C11orf65 (chromosome 11 open reading frame 65; minus strand), ATM (ATM serine/threonine kinase; plus strand). Cytogenetic location: 11q22.3.
Variant type: single nucleotide variant.
Coding change: c.7096G>C on transcript NM_000051.4 (MANE Select); coding-DNA position 7096, G replaced by C.
Protein change: p.Glu2366Gln; replaces glutamic acid 2366 with glutamine.
Molecular consequence: missense variant. On other transcripts: intron variant (2).
Genome position (GRCh38, 1-based): chr11:108,329,027, G>C. VCF-style: chr11-108329027-G-C. GRCh37 (hg19) VCF-style: chr11-108199754-G-C.
Other names: c.7096G>C, p.Glu2366Gln (NM_001351834.2); c.641-19956C>G (NM_001330368.2); c.*38+6193C>G (NM_001351110.2); short protein forms E2366Q.
Identifiers: ClinVar variation 1757118 (VCV001757118.5), dbSNP rs587781672, ClinGen allele CA382559388.